The following is an entry in ClinVar:

NM_001365951.3(KIF1B):c.4405G>A (p.Val1469Met)

Gene: KIF1B (kinesin family member 1B; plus strand). Cytogenetic location: 1p36.22.
Variant type: single nucleotide variant.
Coding change: c.4405G>A on transcript NM_001365951.3 (MANE Select); coding-DNA position 4405, G replaced by A.
Protein change: p.Val1469Met; replaces valine 1469 with methionine.
Molecular consequence: missense variant.
Genome position (GRCh38, 1-based): chr1:10,365,138, G>A. VCF-style: chr1-10365138-G-A. GRCh37 (hg19) VCF-style: chr1-10425196-G-A.
Other names: c.4405G>A, p.Val1469Met (NM_001365952.1); c.4267G>A, p.Val1423Met (NM_015074.3); short protein forms V1469M, V1423M.
Identifiers: ClinVar variation 1044814 (VCV001044814.11), dbSNP rs1638531827, ClinGen allele CA338320285.

ClinVar aggregate classification (germline): Uncertain significance. Review status: criteria provided, multiple submitters, no conflicts (2 of 4 stars). 2 submissions from 2 submitters: Uncertain significance (2). Last evaluated 2025-07-22.

Conditions:
Charcot-Marie-Tooth disease type 2. Also called: Charcot-Marie-Tooth type 2. Identifiers: Orphanet 64746, MedGen C0270914, MONDO:0018993.

Allele frequency attached by ClinVar (database versions not stated): gnomAD exomes 0.00001.
gnomAD v4.1: 3 of 1,613,998 alleles (0.00019%); highest among the groups gnomAD compares: Non-Finnish European, 0.00025%; no homozygotes.

Submissions (2):

Ambry Genetics
Classification: Uncertain significance. Last evaluated: 2025-07-22. Review status: criteria provided, single submitter. Criteria: Ambry Variant Classification Scheme 2023. Collection method: clinical testing. Allele origin: germline.
Comment: The p.V1423M variant (also known as c.4267G>A), located in coding exon 39 of the KIF1B gene, results from a G to A substitution at nucleotide position 4267. The valine at codon 1423 is replaced by methionine, an amino acid with highly similar properties. This amino acid position is highly conserved in available vertebrate species. In addition, the in silico prediction for this alteration is inconclusive. The evidence for this gene-disease relationship is limited; therefore, the clinical significance of this alteration is unclear.

Labcorp Genetics (formerly Invitae), Labcorp
Classification: Uncertain significance for Charcot-Marie-Tooth disease type 2. Last evaluated: 2025-05-12. Review status: criteria provided, single submitter. Criteria: Invitae Variant Classification Sherloc (09022015). Collection method: clinical testing. Allele origin: germline.
Comment: This sequence change replaces valine, which is neutral and non-polar, with methionine, which is neutral and non-polar, at codon 1423 of the KIF1B protein (p.Val1423Met). This variant is not present in population databases (gnomAD no frequency). This variant has not been reported in the literature in individuals affected with KIF1B-related conditions. ClinVar contains an entry for this variant (Variation ID: 1044814). An algorithm developed to predict the effect of missense changes on protein structure and function (PolyPhen-2) suggests that this variant is likely to be disruptive. In summary, the available evidence is currently insufficient to determine the role of this variant in disease. Therefore, it has been classified as a Variant of Uncertain Significance.